The following is an entry in ClinVar:

ClinVar aggregate classification (germline): Uncertain significance (1 of 4 stars; one submission).

Conditions:
Spastic paraplegia. Identifiers: MedGen C0037772, HP:0001258.

Submission:

Labcorp Genetics (formerly Invitae), Labcorp
Classification: Uncertain significance for Spastic paraplegia. Last evaluated: 2024-07-30. Review status: criteria provided, single submitter. Criteria: Invitae Variant Classification Sherloc (09022015). Collection method: clinical testing. Allele origin: germline.
Comment: This sequence change falls in intron 20 of the L1CAM gene. It does not directly change the encoded amino acid sequence of the L1CAM protein. This variant is not present in population databases (gnomAD no frequency). This variant has not been reported in the literature in individuals affected with L1CAM-related conditions. Algorithms developed to predict the effect of sequence changes on RNA splicing suggest that this variant may disrupt the consensus splice site. In summary, the available evidence is currently insufficient to determine the role of this variant in disease. Therefore, it has been classified as a Variant of Uncertain Significance.

NM_001278116.2(L1CAM):c.2750-18C>A

Gene: L1CAM (L1 cell adhesion molecule; minus strand). Cytogenetic location: Xq28.
Variant type: single nucleotide variant.
Coding change: c.2750-18C>A on transcript NM_001278116.2 (MANE Select); 18 bases into the intron before coding-DNA position 2750, C replaced by A.
Molecular consequence: intron variant.
Genome position (GRCh38, 1-based): chrX:153,865,228, G>T on the plus strand (C>A on the coding strand, the complement: L1CAM is on the minus strand). VCF-style: chrX-153865228-G-T. GRCh37 (hg19) VCF-style: chrX-153130683-G-T.
Other names: c.2735-18C>A (NM_001143963.2); c.2750-18C>A (NM_024003.3, NM_000425.5).
Identifiers: ClinVar variation 3660803 (VCV003660803.2).